The following is an entry in ClinVar:

NM_001114753.3(ENG):c.39del (p.Leu14fs)

Gene: ENG (endoglin; minus strand). Cytogenetic location: 9q34.11.
Variant type: Deletion.
Coding change: c.39del on transcript NM_001114753.3 (MANE Select); coding-DNA position 39, one base deleted (G; older notation c.39delG).
Protein change: p.Leu14fs; shifts the reading frame from leucine 14.
Molecular consequence: frameshift variant.
Genome position (GRCh38, 1-based): chr9:127,854,317, C deleted on the plus strand (G on the coding strand, the reverse complement: ENG is on the minus strand). VCF-style (leftmost placement, unchanged base first): chr9-127854316-GC-G. GRCh37 (hg19) VCF-style: chr9-130616595-GC-G.
Other names: c.39delG (NM_000118.3); c.39delG, p.Leu14Trpfs (NM_000118.4, NM_001406715.1); short protein forms L14fs.
Identifiers: ClinVar variation 983208 (VCV000983208.3), dbSNP rs1829096531, ClinGen allele CA1139661233.
Genomic context (GRCh38, chr9:127,854,316, plus strand): 5'-GAGTCTCCCCACCCTGGGTCCCTGGACACCTACTTGTGGGGCTGAGGCTGCAGCTGGCCA[GC>G]AGCAGGGCAACAGCCAGAGGGAGCGTGCCGCGGTCCATGCTGTCCACGTGGGGGCCTGTG-3'

ClinVar aggregate classification (germline): Pathogenic (1 of 4 stars; one submission).

Conditions:
Telangiectasia, hereditary hemorrhagic, type 1 (HHT1). Also called: Osler Weber Rendu syndrome type 1; ENG-Related Hereditary Hemorrhagic Telangiectasia. Identifiers: Orphanet 774, MedGen C4551861, MONDO:0008535, OMIM 187300. Disease mechanism: loss of function.

Submission:

NIHR Bioresource Rare Diseases, University of Cambridge
Classification: Pathogenic for Telangiectasia, hereditary hemorrhagic, type 1. Last evaluated: 2018-01-01. Review status: criteria provided, single submitter. Criteria: ACMG Guidelines, 2015. Collection method: research. Allele origin: unknown. Affected: yes. Observed: 1 variant allele.
Comment: PVS1+PM2+PP4

Literature cited by the submitters: PubMed 32573726.